The following is an entry in ClinVar:

ClinVar aggregate classification (germline): Uncertain significance (1 of 4 stars; one submission).

Conditions:
RYR1-related disorder. Also called: RYR1-related condition; RYR1-related disorders. Identifiers: MedGen CN239331.

Submission:

Labcorp Genetics (formerly Invitae), Labcorp
Classification: Uncertain significance for RYR1-related disorder. Last evaluated: 2022-08-22. Review status: criteria provided, single submitter. Criteria: Invitae Variant Classification Sherloc (09022015). Collection method: clinical testing. Allele origin: germline.
Comment: Advanced modeling of protein sequence and biophysical properties (such as structural, functional, and spatial information, amino acid conservation, physicochemical variation, residue mobility, and thermodynamic stability) performed at Invitae indicates that this missense variant is not expected to disrupt RYR1 protein function. In summary, the available evidence is currently insufficient to determine the role of this variant in disease. Therefore, it has been classified as a Variant of Uncertain Significance. This variant has not been reported in the literature in individuals affected with RYR1-related conditions. This variant is not present in population databases (gnomAD no frequency). This sequence change replaces serine, which is neutral and polar, with arginine, which is basic and polar, at codon 3235 of the RYR1 protein (p.Ser3235Arg).

NM_000540.3(RYR1):c.9705T>A (p.Ser3235Arg)

Gene: RYR1 (ryanodine receptor 1; plus strand). Cytogenetic location: 19q13.2.
Variant type: single nucleotide variant.
Coding change: c.9705T>A on transcript NM_000540.3 (MANE Select); coding-DNA position 9705, T replaced by A.
Protein change: p.Ser3235Arg; replaces serine 3235 with arginine.
Molecular consequence: missense variant.
Genome position (GRCh38, 1-based): chr19:38,517,378, T>A. VCF-style: chr19-38517378-T-A. GRCh37 (hg19) VCF-style: chr19-39008018-T-A.
Other names: c.9705T>A, p.Ser3235Arg (NM_001042723.2); short protein forms S3235R.
Identifiers: ClinVar variation 2169673 (VCV002169673.4), dbSNP rs2514432348, ClinGen allele CA405691380.